The following is an entry in ClinVar:

NM_144991.3(TSPEAR):c.1910G>A (p.Cys637Tyr)

Gene: TSPEAR (thrombospondin type laminin G domain and EAR repeats; minus strand). Cytogenetic location: 21q22.3.
Variant type: single nucleotide variant.
Coding change: c.1910G>A on transcript NM_144991.3 (MANE Select); coding-DNA position 1910, G replaced by A.
Protein change: p.Cys637Tyr; replaces cysteine 637 with tyrosine.
Molecular consequence: missense variant.
Genome position (GRCh38, 1-based): chr21:44,499,883, C>T on the plus strand (G>A on the coding strand, the complement: TSPEAR is on the minus strand). VCF-style: chr21-44499883-C-T. GRCh37 (hg19) VCF-style: chr21-45919766-C-T.
Other names: c.1910G>A (NM_144991.2); c.1706G>A, p.Cys569Tyr (NM_001272037.2); short protein forms C637Y, C569Y.
Identifiers: ClinVar variation 1905962 (VCV001905962.5), dbSNP rs782130589, ClinGen allele CA10056259.
Genomic context (GRCh38, chr21:44,499,883, plus strand): 5'-TTGGCGCTGGAGTAGATGAGGTAGGCACCAGCCGTGGTGCTGAAGGCCTCCCAGTCCCTG[C>T]AGCCGACGGTGGGGAGGCTGTGCACCGCCACGAAGCCCTCGTAGCCCTGCCACCTGCGGA-3'
Protein context (NP_659428.2, residues 627-647): VAVHSLPTVG[Cys637Tyr]RDWEAFSTTA

ClinVar aggregate classification (germline): Conflicting classifications of pathogenicity. Review status: criteria provided, conflicting classifications (1 of 4 stars). 2 submissions from 2 submitters: Likely pathogenic (1); Uncertain significance (1). Last evaluated 2026-03-17.

Allele frequency attached by ClinVar (database versions not stated): TOPMed 0.00002; gnomAD exomes 0.00002; ExAC 0.00007; gnomAD 0.00003.
gnomAD v4.1: 32 of 1,607,020 alleles (0.002%); highest among the groups gnomAD compares: Non-Finnish European, 0.00076%; no homozygotes.

Submissions (2):

GeneDx
Classification: Likely pathogenic. Last evaluated: 2026-03-17. Review status: criteria provided, single submitter. Criteria: GeneDx Variant Classification Process June 2021. Collection method: clinical testing. Allele origin: germline.
Comment: In silico analysis supports that this missense variant has a deleterious effect on protein structure/function; Has not been previously published as pathogenic or benign to our knowledge

Labcorp Genetics (formerly Invitae), Labcorp
Classification: Uncertain significance. Last evaluated: 2025-07-15. Review status: criteria provided, single submitter. Criteria: Invitae Variant Classification Sherloc (09022015). Collection method: clinical testing. Allele origin: germline.
Comment: This sequence change replaces cysteine, which is neutral and slightly polar, with tyrosine, which is neutral and polar, at codon 637 of the TSPEAR protein (p.Cys637Tyr). This variant is present in population databases (rs782130589, gnomAD 0.09%). This missense change has been observed in individual(s) with clinical features of ectodermal dysplasia (internal data). In at least one individual the data is consistent with being in trans (on the opposite chromosome) from a pathogenic variant. ClinVar contains an entry for this variant (Variation ID: 1905962). Invitae Evidence Modeling of protein sequence and biophysical properties (such as structural, functional, and spatial information, amino acid conservation, physicochemical variation, residue mobility, and thermodynamic stability) has been performed for this missense variant. However, the output from this modeling did not meet the statistical confidence thresholds required to predict the impact of this variant on TSPEAR protein function. In summary, the available evidence is currently insufficient to determine the role of this variant in disease. Therefore, it has been classified as a Variant of Uncertain Significance.